The following is an entry in ClinVar:

ClinVar aggregate classification (germline): Uncertain significance. Review status: criteria provided, multiple submitters, no conflicts (2 of 4 stars). 2 submissions from 2 submitters: Uncertain significance (2). Last evaluated 2026-05-11.

Conditions:
Ullrich congenital muscular dystrophy 2 (UCMD2). Identifiers: Orphanet 75840, MedGen C4225314, MONDO:0014654, OMIM 616470.
Bethlem myopathy 2 (BTHLM2). Identifiers: Orphanet 536516, Orphanet 610, MedGen C4225313, MONDO:0034022, OMIM 616471.

Submissions (2):

Women's Health and Genetics/Laboratory Corporation of America, LabCorp
Classification: Uncertain significance. Last evaluated: 2026-05-11. Review status: criteria provided, single submitter. Criteria: LabCorp Variant Classification Summary - May 2015. Collection method: clinical testing. Allele origin: germline.
Comment: Variant summary: COL12A1 c.5231-9_5231-8delTT alters a conserved nucleotide located at a position not widely known to affect splicing. Several computational tools predict a significant impact on normal splicing: Three predict the variant weakens a 3' acceptor site. One predict the variant no significant impact on splicing. However, these predictions have yet to be confirmed by functional studies. The variant was absent in 245448 control chromosomes. The available data on variant occurrences in the general population are insufficient to allow any conclusion about variant significance. To our knowledge, no occurrence of c.5231-9_5231-8delTT in individuals affected with COL12A1-related conditions and no experimental evidence demonstrating its impact on protein function have been reported. ClinVar contains an entry for this variant (Variation ID: 2045359). Based on the evidence outlined above, the variant was classified as uncertain significance.

Labcorp Genetics (formerly Invitae), Labcorp
Classification: Uncertain significance for Bethlem myopathy 2; Ullrich congenital muscular dystrophy 2. Last evaluated: 2025-06-09. Review status: criteria provided, single submitter. Criteria: Invitae Variant Classification Sherloc (09022015). Collection method: clinical testing. Allele origin: germline.
Comment: This sequence change falls in intron 29 of the COL12A1 gene. It does not directly change the encoded amino acid sequence of the COL12A1 protein. This variant is not present in population databases (gnomAD no frequency). This variant has not been reported in the literature in individuals affected with COL12A1-related conditions. ClinVar contains an entry for this variant (Variation ID: 2045359). Algorithms developed to predict the effect of sequence changes on RNA splicing suggest that this variant may disrupt the consensus splice site. In summary, the available evidence is currently insufficient to determine the role of this variant in disease. Therefore, it has been classified as a Variant of Uncertain Significance.

NM_004370.6(COL12A1):c.5231-9_5231-8del

Gene: COL12A1 (collagen type XII alpha 1 chain; minus strand). Cytogenetic location: 6q13.
Variant type: Deletion.
Coding change: c.5231-9_5231-8del on transcript NM_004370.6 (MANE Select); 9 bases into the intron before coding-DNA position 5231 through 8 bases into the intron before coding-DNA position 5231, 2 bases deleted (TT; older notation c.5231-9_5231-8delTT).
Molecular consequence: intron variant.
Genome position (GRCh38, 1-based): chr6:75,138,348-75,138,349, AA deleted on the plus strand (TT on the coding strand, the reverse complement: COL12A1 is on the minus strand); deleting any 2 consecutive bases within chr6:75,138,348-75,138,351 gives the same sequence; the c. name uses the placement nearest the transcript's 3' end. VCF-style (leftmost placement, unchanged base first): chr6-75138347-GAA-G. GRCh37 (hg19) VCF-style: chr6-75848063-GAA-G.
Other names: c.1739-9_1739-8del (NM_080645.3); c.5231-9_5231-8delTT (NM_004370.6).
Identifiers: ClinVar variation 2045359 (VCV002045359.5), dbSNP rs1766724777, ClinGen allele CA1090627700.